The following is an entry in ClinVar:

ClinVar aggregate classification (germline): Likely pathogenic. Review status: criteria provided, single submitter (1 of 4 stars). 2 submissions from 2 submitters: Likely pathogenic (1). 1 of the submissions does not count toward it. Last evaluated 2025-05-16.

Conditions:
Ellis-van Creveld syndrome (EVC). Also called: EVC2-Related Ellis-van Creveld Syndrome; EVC-Related Ellis-van Creveld Syndrome; MESOECTODERMAL DYSPLASIA; Chondroectodermal dysplasia. Identifiers: Orphanet 289, MedGen C0013903, MONDO:0009162, OMIM 225500.

Submissions (2):

Natera, Inc.
Classification: Likely pathogenic for Ellis-van Creveld syndrome. Last evaluated: 2025-05-16. Review status: criteria provided, single submitter. Criteria: Natera Variant Classification Schema (03/2026). Collection method: clinical testing. Allele origin: germline.
Comment: The c.1465-3_1472del variant in EVC is a frameshift variant predicted to shift the reading frame and introduce a stop codon. This variant is expected to result in nonsense mediated decay, truncation, or a dysfunctional protein product. This variant is rare in the general population with a frequency below the threshold expected for the associated phenotype(s). Given the available evidence, this variant is classified as Likely Pathogenic.

Counsyl
Classification: Likely pathogenic for Ellis-van Creveld syndrome. Last evaluated: 2018-03-13. Review status: no assertion criteria provided. Collection method: clinical testing. Allele origin: unknown. Not counted in ClinVar's aggregate classification.

NM_153717.3(EVC):c.1465-3_1472del

Gene: EVC (EvC ciliary complex subunit 1; plus strand). Cytogenetic location: 4p16.2.
Variant type: Deletion.
Coding change: c.1465-3_1472del on transcript NM_153717.3 (MANE Select); 3 bases into the intron before coding-DNA position 1465 through coding-DNA position 1472, 11 bases deleted (CAGGCTTTTCA).
Molecular consequence: splice acceptor variant.
Genome position (GRCh38, 1-based): chr4:5,756,261-5,756,271, CAGGCTTTTCA deleted; deleting any 11 consecutive bases within chr4:5,756,258-5,756,271 gives the same sequence; the c. name uses the placement nearest the transcript's 3' end. VCF-style (leftmost placement, unchanged base first): chr4-5756257-CTCACAGGCTTT-C. GRCh37 (hg19) VCF-style: chr4-5757984-CTCACAGGCTTT-C.
Other names: c.1465-3_1472del (NM_001306090.2, NM_001306092.2); c.1465-3_1472del11 (NM_153717.2).
Identifiers: ClinVar variation 557196 (VCV000557196.4), dbSNP rs1300178432, ClinGen allele CA549401846.
Genomic context (GRCh38, chr4:5,756,257, plus strand): 5'-ACCTTCTGGAAAAAAAAAAAAAAACCCTGCATGTTTCTACCAGACTCAGCTCTTGTTTTC[CTCACAGGCTTT>C]TCATGAGGTCCTGGAGAGGCAGAGGCTGATGCAGTGTGACCTGGAGGAAGAGGAGAATGT-3'